The following is an entry in ClinVar:

ClinVar aggregate classification (germline): Benign. Review status: criteria provided, single submitter (1 of 4 stars). 2 submissions from 2 submitters: Benign (1). 1 of the submissions does not count toward it. Last evaluated 2018-04-04.

Conditions:
ZNF804A-related disorder. Also called: ZNF804A-related condition.

Allele frequency attached by ClinVar (database versions not stated): 1000 Genomes Project 0.00040; TOPMed 0.00068; gnomAD 0.00077 and 0.00082; ESP Exome Variant Server 0.00100; gnomAD exomes 0.00006 and 0.00017; ExAC 0.00023; 1000 Genomes Project 30x 0.00031.
gnomAD v4.1: 199 of 1,612,454 alleles (0.012%); highest among the groups gnomAD compares: African/African-American, 0.25%; no homozygotes.

Submissions (2):

Labcorp Genetics (formerly Invitae), Labcorp
Classification: Benign. Last evaluated: 2018-04-04. Review status: criteria provided, single submitter. Criteria: Invitae Variant Classification Sherloc (09022015). Collection method: clinical testing. Allele origin: germline.

PreventionGenetics, part of Exact Sciences
Classification: Likely benign for ZNF804A-related condition. Last evaluated: 2019-05-24. Review status: no assertion criteria provided. Collection method: clinical testing. Allele origin: germline. Not counted in ClinVar's aggregate classification.
Comment: This variant is classified as likely benign based on ACMG/AMP sequence variant interpretation guidelines (Richards et al. 2015 PMID: 25741868, with internal and published modifications).

NM_194250.2(ZNF804A):c.210G>A (p.Gln70=)

Gene: ZNF804A (zinc finger protein 804A; plus strand). Cytogenetic location: 2q32.1.
Variant type: single nucleotide variant.
Coding change: c.210G>A on transcript NM_194250.2 (MANE Select); coding-DNA position 210, G replaced by A.
Protein change: p.Gln70=; no amino-acid change (glutamine 70 retained).
Molecular consequence: synonymous variant.
Genome position (GRCh38, 1-based): chr2:184,866,467, G>A. VCF-style: chr2-184866467-G-A. GRCh37 (hg19) VCF-style: chr2-185731194-G-A.
Identifiers: ClinVar variation 710899 (VCV000710899.5), dbSNP rs150769843, ClinGen allele CA2015719.